The following is an entry in ClinVar:

NM_001195129.2(PRSS56):c.144C>T (p.Ser48=)

Gene: PRSS56 (serine protease 56; plus strand). Cytogenetic location: 2q37.1.
Variant type: single nucleotide variant.
Coding change: c.144C>T on transcript NM_001195129.2 (MANE Select); coding-DNA position 144, C replaced by T.
Protein change: p.Ser48=; no amino-acid change (serine 48 retained).
Molecular consequence: synonymous variant.
Genome position (GRCh38, 1-based): chr2:232,521,367, C>T. VCF-style: chr2-232521367-C-T. GRCh37 (hg19) VCF-style: chr2-233386077-C-T.
Other names: c.144C>T, p.Ser48= (NM_001369848.1).
Identifiers: ClinVar variation 2847751 (VCV002847751.11), dbSNP rs751017393, ClinGen allele CA2167681.
Genomic context (GRCh38, chr2:232,521,367, plus strand): 5'-CCCTGTCCCAGCAGTTCTGTCGGCCCAGGGGACTCAGGCGTTGCAGGCAGCCCAGAGGAG[C>T]GCCCAGTGGGCAATAAACCGAGTGGCGATGGAGATCCAGCACAGATCGCACGAGTGCCGA-3'
Protein context (NP_001182058.1, residues 38-58): GTQALQAAQR[Ser48=]AQWAINRVAM

ClinVar aggregate classification (germline): Likely benign. Review status: criteria provided, multiple submitters, no conflicts (2 of 4 stars). 3 submissions from 3 submitters: Likely benign (3). Last evaluated 2025-09-01.

Conditions:
Isolated microphthalmia 6. Also called: MICROPHTHALMIA, POSTERIOR NONSYNDROMIC. Identifiers: Orphanet 2542, MedGen C3150757, MONDO:0013293, OMIM 613517.

Allele frequency attached by ClinVar (database versions not stated): gnomAD exomes 0.00009; ExAC 0.00024; 1000 Genomes Project 30x 0.00047.
gnomAD v4.1: 138 of 1,536,136 alleles (0.009%); highest among the groups gnomAD compares: Middle Eastern, 0.15%; 1 homozygote.

Submissions (3):

CeGaT Center for Human Genetics Tuebingen
Classification: Likely benign. Last evaluated: 2025-09-01. Review status: criteria provided, single submitter. Criteria: CeGaT Center For Human Genetics Tuebingen Variant Classification Criteria Version 2. Collection method: clinical testing. Allele origin: germline. Affected: yes. Observed: 1 variant allele.
Comment: PRSS56: BP4, BP7

Labcorp Genetics (formerly Invitae), Labcorp
Classification: Likely benign for Isolated microphthalmia 6. Last evaluated: 2025-06-12. Review status: criteria provided, single submitter. Criteria: Invitae Variant Classification Sherloc (09022015). Collection method: clinical testing. Allele origin: germline.

Blueprint Genetics
Classification: Likely benign. Last evaluated: 2024-09-26. Review status: criteria provided, single submitter. Criteria: ACMG Guidelines, 2015. Collection method: clinical testing. Allele origin: germline.